The following is an entry in ClinVar:

NM_002485.5(NBN):c.1488_1491dup (p.Pro498fs)

Gene: NBN (nibrin; minus strand). Cytogenetic location: 8q21.3.
Variant type: Duplication.
Coding change: c.1488_1491dup on transcript NM_002485.5 (MANE Select); coding-DNA positions 1488 to 1491, 4 bases duplicated (TACA; older notation c.1488_1491dupTACA).
Protein change: p.Pro498fs; shifts the reading frame from proline 498.
Molecular consequence: frameshift variant.
Genome position (GRCh38, 1-based): chr8:89,953,598-89,953,601, TGTA duplicated on the plus strand (TACA on the coding strand, the reverse complement: NBN is on the minus strand). VCF-style (leftmost placement, unchanged base first): chr8-89953597-G-GTGTA. GRCh37 (hg19) VCF-style: chr8-90965825-G-GTGTA.
Other names: c.1242_1245dup, p.Pro416fs (NM_001024688.3); short protein forms P416fs, P498fs.
Identifiers: ClinVar variation 2707192 (VCV002707192.3), dbSNP rs2488233455, ClinGen allele CA2697549994.
Genomic context (GRCh38, chr8:89,953,597, plus strand): 5'-AGTTTGTGTCCACAGGCTCATTCTCAGATAGATGCTGCTCCTTATTTTTCCACAATGAGG[G>GTGTA]TGTAGCAGGTTGTGTTTGTTCTAAAAGAGAACAAGACGTTTCTATTCTTGCTGATTTGCA-3'

ClinVar aggregate classification (germline): Pathogenic (1 of 4 stars; one submission).

Conditions:
Microcephaly, normal intelligence and immunodeficiency (NBS). Also called: Immunodeficiency, microcephaly with normal intelligence; Ataxia telangiectasia variant V1; IMMUNODEFICIENCY, MICROCEPHALY, AND CHROMOSOMAL INSTABILITY; SEEMANOVA SYNDROME II; Nijmegen breakage syndrome; Microcephaly with normal intelligence immunodeficiency and lymphoreticular malignancies. Identifiers: Orphanet 647, MedGen C0398791, MONDO:0009623, OMIM 251260.

Submission:

Labcorp Genetics (formerly Invitae), Labcorp
Classification: Pathogenic for Microcephaly, normal intelligence and immunodeficiency. Last evaluated: 2024-01-03. Review status: criteria provided, single submitter. Criteria: Invitae Variant Classification Sherloc (09022015). Collection method: clinical testing. Allele origin: germline.
Comment: This sequence change creates a premature translational stop signal (p.Pro498Tyrfs*8) in the NBN gene. It is expected to result in an absent or disrupted protein product. Loss-of-function variants in NBN are known to be pathogenic (PMID: 9590180, 16415040). This variant is not present in population databases (gnomAD no frequency). This variant has not been reported in the literature in individuals affected with NBN-related conditions. For these reasons, this variant has been classified as Pathogenic.

Literature cited by the submitters: PubMed 9590180; PubMed 16415040.